The following is an entry in ClinVar:

NM_178170.3(NEK8):c.536C>G (p.Pro179Arg)

Gene: NEK8 (NIMA related kinase 8; plus strand). Cytogenetic location: 17q11.2.
Variant type: single nucleotide variant.
Coding change: c.536C>G on transcript NM_178170.3 (MANE Select); coding-DNA position 536, C replaced by G.
Protein change: p.Pro179Arg; replaces proline 179 with arginine.
Molecular consequence: missense variant.
Genome position (GRCh38, 1-based): chr17:28,735,289, C>G. VCF-style: chr17-28735289-C-G. GRCh37 (hg19) VCF-style: chr17-27062307-C-G.
Other names: short protein forms P179R.
Identifiers: ClinVar variation 1339021 (VCV001339021.2), dbSNP rs2151732022, ClinGen allele CA398425330.

ClinVar aggregate classification (germline): Uncertain significance (1 of 4 stars; one submission).

Conditions:
Renal-hepatic-pancreatic dysplasia 2 (RHPD2). Identifiers: MedGen C3809434, MONDO:0014174, OMIM 615415.

Submission:

Neuberg Centre For Genomic Medicine, NCGM
Classification: Uncertain significance for Renal-hepatic-pancreatic dysplasia 2. Review status: criteria provided, single submitter. Criteria: ACMG Guidelines, 2015. Collection method: clinical testing. Allele origin: germline. Affected: yes.
Comment: The missense variant p.P179R in NEK8 (NM_178170.3) has not been reported previously as a pathogenic variant nor as a benign variant, to our knowledge. The p.P179R variant is novel (not in any individuals) in gnomAD Exomes and is novel (not in any individuals) in 1000 Genomes. The p.P179R missense variant is predicted to be damaging by both SIFT and PolyPhen2. The proline residue at codon 179 of NEK8 is conserved in all mammalian species. The nucleotide c.536 in NEK8 is predicted conserved by GERP++ and PhyloP across 100 vertebrates. For these reasons, this variant has been classified as Uncertain Significance